The following is an entry in ClinVar:

NM_003883.4(HDAC3):c.-1dup (p.Met1fs)

Genes: HDAC3 (histone deacetylase 3; minus strand), LOC129994870 (ATAC-STARR-seq lymphoblastoid silent region 16458; plus strand). Cytogenetic location: 5q31.3.
Variant type: Duplication.
Coding change: c.-1dup on transcript NM_003883.4 (MANE Select); 1 bases upstream of the start codon, one base duplicated (C; older notation c.-1dupC).
Protein change: p.Met1fs; shifts the reading frame from methionine 1.
Molecular consequence: frameshift variant. On other transcripts: 5 prime UTR variant (2), non-coding transcript variant (6).
Genome position (GRCh38, 1-based): chr5:141,636,791, G duplicated on the plus strand (C on the coding strand, the reverse complement: HDAC3 is on the minus strand); the first of 2 consecutive G bases (chr5:141,636,791-141,636,792); duplicating either gives the same sequence. VCF-style (leftmost placement, unchanged base first): chr5-141636790-T-TG. GRCh37 (hg19) VCF-style: chr5-141016357-T-TG.
Other names: c.-1dup, p.Met1fs (NM_001355039.2); c.-261dup (NM_001355040.2); c.-419dup (NM_001355041.2); short protein forms M1fs.
Identifiers: ClinVar variation 4534381 (VCV004534381.6).
Genomic context (GRCh38, chr5:141,636,790, plus strand): 5'-CCTCACCGTAGTGGAAGTTGCCCACGTCGGGGTCGTAGAAATAGGCCACGGTCTTGGCCA[T>TG]GGTGCCGGCGGGAGCAGGCCCCGCACCTCCGCCGCCCGCCGCCCGCGGCCGCCGCCAGCC-3'

ClinVar aggregate classification (germline): Likely benign (1 of 4 stars; one submission).

Submission:

CeGaT Center for Human Genetics Tuebingen
Classification: Likely benign. Last evaluated: 2025-11-01. Review status: criteria provided, single submitter. Criteria: CeGaT Center For Human Genetics Tuebingen Variant Classification Criteria Version 2. Collection method: clinical testing. Allele origin: germline. Affected: yes. Observed: 1 variant allele.
Comment: HDAC3: BP4, BS2